The following is an entry in ClinVar:

ClinVar aggregate classification (germline): Benign/Likely benign. Review status: criteria provided, multiple submitters, no conflicts (2 of 4 stars). 9 submissions from 9 submitters: Benign (7); Likely benign (2). Last evaluated 2026-02-02.

Conditions:
Cardiovascular phenotype. Identifiers: MedGen CN230736.
Ehlers-Danlos syndrome (EDS). Identifiers: Orphanet 98249, MedGen C0013720, MONDO:0020066.
Brittle cornea syndrome 1 (BCS1). Also called: CORNEAL FRAGILITY, KERATOGLOBUS, BLUE SCLERAE, JOINT HYPEREXTENSIBILITY; EDS6B; FRAGILITAS OCULI WITH JOINT HYPEREXTENSIBILITY; DYSGENESIS MESODERMALIS CORNEAE ET SCLERAE; Corneal fragility keratoglobus, blue sclerae AND joint hypermobility. Identifiers: Orphanet 90354, MedGen C0268344, MONDO:0024543, OMIM 229200.

Allele frequency attached by ClinVar (database versions not stated): ExAC 0.01264; gnomAD 0.02173 and 0.02319; 1000 Genomes Project 0.02316; TOPMed 0.02473; ESP Exome Variant Server 0.02475; 1000 Genomes Project 30x 0.02483.
gnomAD v4.1: 7,428 of 1,550,516 alleles (0.48%); highest among the groups gnomAD compares: African/African-American, 7.6%; 229 homozygotes.

Submissions (9):

Labcorp Genetics (formerly Invitae), Labcorp
Classification: Benign. Last evaluated: 2026-02-02. Review status: criteria provided, single submitter. Criteria: Invitae Variant Classification Sherloc (09022015). Collection method: clinical testing. Allele origin: germline.

Women's Health and Genetics/Laboratory Corporation of America, LabCorp
Classification: Benign. Last evaluated: 2026-01-22. Review status: criteria provided, single submitter. Criteria: LabCorp Variant Classification Summary - May 2015. Collection method: clinical testing. Allele origin: germline.

Blueprint Genetics
Classification: Likely benign. Last evaluated: 2024-11-19. Review status: criteria provided, single submitter. Criteria: ACMG Guidelines, 2015. Collection method: clinical testing. Allele origin: germline.

Mayo Clinic Laboratories, Mayo Clinic
Classification: Benign. Last evaluated: 2023-03-05. Review status: criteria provided, single submitter. Criteria: ACMG Guidelines, 2015. Collection method: clinical testing. Allele origin: germline. Observed: 18 variant alleles.

Genome Diagnostics Laboratory, The Hospital for Sick Children
Classification: Benign for Ehlers-Danlos syndrome. Last evaluated: 2022-03-15. Review status: criteria provided, single submitter. Criteria: ACMG Guidelines, 2015. Collection method: clinical testing. Allele origin: germline.

Genome-Nilou Lab
Classification: Benign for Brittle cornea syndrome 1. Last evaluated: 2021-12-05. Review status: criteria provided, single submitter. Criteria: ACMG Guidelines, 2015. Collection method: clinical testing. Allele origin: germline. Affected: no.

Ambry Genetics
Classification: Benign for Cardiovascular phenotype. Last evaluated: 2019-03-29. Review status: criteria provided, single submitter. Criteria: Ambry Variant Classification Scheme 2023. Collection method: clinical testing. Allele origin: germline.

GeneDx
Classification: Benign. Last evaluated: 2016-10-30. Review status: criteria provided, single submitter. Criteria: GeneDx Variant Classification (06012015). Collection method: clinical testing. Allele origin: germline. Affected: yes.
Comment: This variant is considered likely benign or benign based on one or more of the following criteria: it is a conservative change, it occurs at a poorly conserved position in the protein, it is predicted to be benign by multiple in silico algorithms, and/or has population frequency not consistent with disease.

Breakthrough Genomics
Classification: Likely benign. Review status: criteria provided, single submitter. Criteria: ACMG Guidelines, 2015. Collection method: not provided. Allele origin: germline. Inheritance: Autosomal recessive inheritance. Affected: yes.

NM_001367624.2(ZNF469):c.11409G>C (p.Gly3803=)

Gene: ZNF469 (zinc finger protein 469; plus strand). Cytogenetic location: 16q24.2.
Variant type: single nucleotide variant.
Coding change: c.11409G>C on transcript NM_001367624.2 (MANE Select); coding-DNA position 11409, G replaced by C.
Protein change: p.Gly3803=; no amino-acid change (glycine 3803 retained).
Molecular consequence: synonymous variant.
Genome position (GRCh38, 1-based): chr16:88,438,879, G>C. VCF-style: chr16-88438879-G-C. GRCh37 (hg19) VCF-style: chr16-88505287-G-C.
Other names: NM_001127464.1:c.11325G>C; NM_001127464.2:c.11325G>C; p.Gly3803=.
Identifiers: ClinVar variation 321025 (VCV000321025.22), dbSNP rs150233193, ClinGen allele CA8225609.